The following is an entry in ClinVar:

NM_000038.6(APC):c.6214T>C (p.Leu2072=)

Gene: APC (APC regulator of Wnt signaling pathway; plus strand). Cytogenetic location: 5q22.2.
Variant type: single nucleotide variant.
Coding change: c.6214T>C on transcript NM_000038.6 (MANE Select); coding-DNA position 6214, T replaced by C.
Protein change: p.Leu2072=; no amino-acid change (leucine 2072 retained).
Molecular consequence: synonymous variant. On other transcripts: non-coding transcript variant (2).
Genome position (GRCh38, 1-based): chr5:112,841,808, T>C. VCF-style: chr5-112841808-T-C. GRCh37 (hg19) VCF-style: chr5-112177505-T-C.
Other names: c.6214T>C, p.Leu2072= (NM_001127510.3, NM_001354895.2, NM_001407450.1); c.6160T>C, p.Leu2054= (NM_001127511.3); c.6268T>C, p.Leu2090= (NM_001354896.2, NM_001407447.1, NM_001407448.1 and 1 more transcripts); c.6244T>C, p.Leu2082= (NM_001354897.2); c.6139T>C, p.Leu2047= (NM_001354898.2); c.6130T>C, p.Leu2044= (NM_001354899.2); c.6091T>C, p.Leu2031= (NM_001354900.2); c.6037T>C, p.Leu2013= (NM_001354901.2, NM_001407453.1); and 11 more.
Identifiers: ClinVar variation 3254426 (VCV003254426.1), dbSNP rs2149959828.

ClinVar aggregate classification (germline): Benign (1 of 4 stars; one submission).

Conditions:
Familial adenomatous polyposis 1 (FAP1). Also called: FAMILIAL ADENOMATOUS POLYPOSIS 1, ATTENUATED; POLYPOSIS, ADENOMATOUS INTESTINAL. Identifiers: MedGen C2713442, MONDO:0021056, OMIM 175100. Disease mechanism: loss of function.

Submission:

Myriad Genetics, Inc.
Classification: Benign for Familial adenomatous polyposis 1. Last evaluated: 2024-04-04. Review status: criteria provided, single submitter. Criteria: Myriad Autosomal Dominant, Autosomal Recessive and X-Linked Classification Criteria (2023). Collection method: clinical testing. Allele origin: unknown.
Comment: This variant is considered benign. This variant is a silent/synonymous amino acid change and it is not expected to impact splicing.